The following is an entry in ClinVar:

NM_000180.4(GUCY2D):c.358C>T (p.Arg120Cys)

Gene: GUCY2D (guanylate cyclase 2D, retinal; plus strand). Cytogenetic location: 17p13.1.
Variant type: single nucleotide variant.
Coding change: c.358C>T on transcript NM_000180.4 (MANE Select); coding-DNA position 358, C replaced by T.
Protein change: p.Arg120Cys; replaces arginine 120 with cysteine.
Molecular consequence: missense variant.
Genome position (GRCh38, 1-based): chr17:8,003,405, C>T. VCF-style: chr17-8003405-C-T. GRCh37 (hg19) VCF-style: chr17-7906723-C-T.
Other names: short protein forms R120C.
Identifiers: ClinVar variation 864231 (VCV000864231.11), dbSNP rs1975671628, ClinGen allele CA397943255.

ClinVar aggregate classification (germline): Uncertain significance (1 of 4 stars; one submission).

Conditions:
Cone-rod dystrophy 6 (CORD6). Also called: Cone dystrophy progressive; RETINAL CONE DYSTROPHY 2. Identifiers: Orphanet 1872, MedGen C1866293, MONDO:0011143, OMIM 601777.
Leber congenital amaurosis 1 (LCA1). Also called: AMAUROSIS CONGENITA OF LEBER I; RETINAL BLINDNESS, CONGENITAL; Congenital absence of the rods and cones; Leber's congenital tapetoretinal degeneration; Leber's congenital tapetoretinal dysplasia. Identifiers: Orphanet 65, MedGen C2931258, MONDO:0008764, OMIM 204000.

Allele frequency attached by ClinVar (database versions not stated): gnomAD 0.00001; TOPMed 0.00002.

Submission:

Labcorp Genetics (formerly Invitae), Labcorp
Classification: Uncertain significance for Leber congenital amaurosis 1; Cone-rod dystrophy 6. Last evaluated: 2024-10-26. Review status: criteria provided, single submitter. Criteria: Invitae Variant Classification Sherloc (09022015). Collection method: clinical testing. Allele origin: germline.
Comment: This sequence change replaces arginine, which is basic and polar, with cysteine, which is neutral and slightly polar, at codon 120 of the GUCY2D protein (p.Arg120Cys). This variant is not present in population databases (gnomAD no frequency). This variant has not been reported in the literature in individuals affected with GUCY2D-related conditions. ClinVar contains an entry for this variant (Variation ID: 864231). Invitae Evidence Modeling of protein sequence and biophysical properties (such as structural, functional, and spatial information, amino acid conservation, physicochemical variation, residue mobility, and thermodynamic stability) indicates that this missense variant is not expected to disrupt GUCY2D protein function with a negative predictive value of 80%. In summary, the available evidence is currently insufficient to determine the role of this variant in disease. Therefore, it has been classified as a Variant of Uncertain Significance.